The following is an entry in ClinVar:

ClinVar aggregate classification (germline): Conflicting classifications of pathogenicity. Review status: criteria provided, conflicting classifications (1 of 4 stars). 4 submissions from 4 submitters: Uncertain significance (2); Likely benign (1). 1 of the submissions does not count toward it. Last evaluated 2024-10-29.

Conditions:
WDPCP-related disorder. Also called: WDPCP-related condition.
Bardet-Biedl syndrome 15 (BBS15). Identifiers: Orphanet 110, MedGen C3150127, MONDO:0014443, OMIM 615992.
Heart defect - tongue hamartoma - polysyndactyly syndrome. Also called: Congenital heart defects, hamartomas of tongue, and polysyndactyly. Identifiers: Orphanet 1338, MedGen C1857587, MONDO:0009008, OMIM 217085.
Bardet-Biedl syndrome (BBS). Identifiers: Orphanet 110, MedGen C0752166, MONDO:0015229.
Inborn genetic diseases. Identifiers: MedGen C0950123, MeSH D030342.

Allele frequency attached by ClinVar (database versions not stated): gnomAD 0.00001 and 0.00002; gnomAD exomes 0.00002 and 0.00010; TOPMed 0.00005; ExAC 0.00008.
gnomAD v4.1: 37 of 1,613,396 alleles (0.0023%); highest among the groups gnomAD compares: Admixed American, 0.038%; 1 homozygote.

Submissions (4):

Labcorp Genetics (formerly Invitae), Labcorp
Classification: Uncertain significance for Bardet-Biedl syndrome. Last evaluated: 2024-10-29. Review status: criteria provided, single submitter. Criteria: Invitae Variant Classification Sherloc (09022015). Collection method: clinical testing. Allele origin: germline.
Comment: This sequence change replaces glycine, which is neutral and non-polar, with serine, which is neutral and polar, at codon 219 of the WDPCP protein (p.Gly219Ser). This variant is present in population databases (rs761312526, gnomAD 0.05%). This variant has not been reported in the literature in individuals affected with WDPCP-related conditions. ClinVar contains an entry for this variant (Variation ID: 850045). Invitae Evidence Modeling of protein sequence and biophysical properties (such as structural, functional, and spatial information, amino acid conservation, physicochemical variation, residue mobility, and thermodynamic stability) has been performed for this missense variant. However, the output from this modeling did not meet the statistical confidence thresholds required to predict the impact of this variant on WDPCP protein function. In summary, the available evidence is currently insufficient to determine the role of this variant in disease. Therefore, it has been classified as a Variant of Uncertain Significance.

Fulgent Genetics
Classification: Uncertain significance for Heart defect - tongue hamartoma - polysyndactyly syndrome; Bardet-Biedl syndrome 15. Last evaluated: 2021-11-29. Review status: criteria provided, single submitter. Criteria: ACMG Guidelines, 2015. Collection method: clinical testing. Allele origin: unknown.

Ambry Genetics
Classification: Likely benign for Inborn genetic diseases. Last evaluated: 2021-11-23. Review status: criteria provided, single submitter. Criteria: Ambry Variant Classification Scheme 2023. Collection method: clinical testing. Allele origin: germline.

PreventionGenetics, part of Exact Sciences
Classification: Uncertain significance for WDPCP-related condition. Last evaluated: 2024-09-09. Review status: no assertion criteria provided. Collection method: clinical testing. Allele origin: germline. Not counted in ClinVar's aggregate classification.
Comment: The WDPCP c.655G>A variant is predicted to result in the amino acid substitution p.Gly219Ser. To our knowledge, this variant has not been reported in the literature. This variant is reported in 0.057% of alleles in individuals of Latino descent in gnomAD, which is likely too common for an undocumented disease-causing variant. Although we suspect that this variant may be benign, at this time, the clinical significance of this variant is uncertain due to the absence of conclusive functional and genetic evidence.

NM_015910.7(WDPCP):c.655G>A (p.Gly219Ser)

Gene: WDPCP (WD repeat containing planar cell polarity effector; minus strand). Cytogenetic location: 2p15.
Variant type: single nucleotide variant.
Coding change: c.655G>A on transcript NM_015910.7 (MANE Select); coding-DNA position 655, G replaced by A.
Protein change: p.Gly219Ser; replaces glycine 219 with serine.
Molecular consequence: missense variant. On other transcripts: non-coding transcript variant (3).
Genome position (GRCh38, 1-based): chr2:63,433,915, C>T on the plus strand (G>A on the coding strand, the complement: WDPCP is on the minus strand). VCF-style: chr2-63433915-C-T. GRCh37 (hg19) VCF-style: chr2-63661049-C-T.
Other names: c.178G>A, p.Gly60Ser (NM_001042692.3); c.583G>A, p.Gly195Ser (NM_001354044.2); c.655G>A, p.Gly219Ser (NM_001354045.2); short protein forms G195S, G219S, G60S.
Identifiers: ClinVar variation 850045 (VCV000850045.9), dbSNP rs761312526, ClinGen allele CA1682379.